The following is an entry in ClinVar:

NM_004963.4(GUCY2C):c.3041C>T (p.Pro1014Leu)

Genes: PLBD1-AS1 (PLBD1 antisense RNA 1; plus strand), GUCY2C (guanylate cyclase 2C; minus strand), LOC130007489 (ATAC-STARR-seq lymphoblastoid silent region 4275; plus strand). Cytogenetic location: 12p12.3.
Variant type: single nucleotide variant.
Coding change: c.3041C>T on transcript NM_004963.4 (MANE Select); coding-DNA position 3041, C replaced by T.
Protein change: p.Pro1014Leu; replaces proline 1014 with leucine.
Molecular consequence: missense variant.
Genome position (GRCh38, 1-based): chr12:14,614,873, G>A on the plus strand (C>T on the coding strand, the complement: GUCY2C is on the minus strand). VCF-style: chr12-14614873-G-A. GRCh37 (hg19) VCF-style: chr12-14767807-G-A.
Other names: short protein forms P1014L.
Identifiers: ClinVar variation 2697378 (VCV002697378.3), dbSNP rs2497581753, ClinGen allele CA383990700.
Genomic context (GRCh38, chr12:14,614,873, plus strand): 5'-ACAAAGCCAAGATCTCTAATTTCCTCCCTGTCCCTGCCACACCCAGAAGCTTACACAGTA[G>A]GAGGGGTTGGCAGGTTGAATTTCTGGTCCTTCATCCCAGTCAGCCAGTAGGTAGTCTCAT-3'
Protein context (NP_004954.2, residues 1004-1024): KDQKFNLPTP[Pro1014Leu]TVENQQRLQA

ClinVar aggregate classification (germline): Uncertain significance (1 of 4 stars; one submission).

Allele frequency attached by ClinVar (database versions not stated): gnomAD exomes below 0.00001.
gnomAD v4.1: 2 of 1,581,272 alleles (0.00013%); highest among the groups gnomAD compares: South Asian, 0.0023%; no homozygotes.

Submission:

Labcorp Genetics (formerly Invitae), Labcorp
Classification: Uncertain significance. Last evaluated: 2023-11-19. Review status: criteria provided, single submitter. Criteria: Invitae Variant Classification Sherloc (09022015). Collection method: clinical testing. Allele origin: germline.
Comment: This sequence change replaces proline, which is neutral and non-polar, with leucine, which is neutral and non-polar, at codon 1014 of the GUCY2C protein (p.Pro1014Leu). This variant is not present in population databases (gnomAD no frequency). This variant has not been reported in the literature in individuals affected with GUCY2C-related conditions. An algorithm developed to predict the effect of missense changes on protein structure and function (PolyPhen-2) suggests that this variant is likely to be disruptive. In summary, the available evidence is currently insufficient to determine the role of this variant in disease. Therefore, it has been classified as a Variant of Uncertain Significance.